The following is an entry in ClinVar:

ClinVar aggregate classification (germline): Uncertain significance (1 of 4 stars; one submission).

gnomAD v4.1: 1 of 1,612,994 alleles (0.000062%); highest among the groups gnomAD compares: Non-Finnish European, 0.000085%; no homozygotes.

Submission:

Ambry Genetics
Classification: Uncertain significance. Last evaluated: 2025-01-05. Review status: criteria provided, single submitter. Criteria: Ambry Variant Classification Scheme 2023. Collection method: clinical testing. Allele origin: germline.
Comment: The p.E158Q variant (also known as c.472G>C), located in coding exon 3 of the ATRIP gene, results from a G to C substitution at nucleotide position 472. The glutamic acid at codon 158 is replaced by glutamine, an amino acid with highly similar properties. This amino acid position is conserved. In addition, this alteration is predicted to be tolerated by in silico analysis. Based on the available evidence, the clinical significance of this variant remains unclear.

NM_130384.3(ATRIP):c.472G>C (p.Glu158Gln)

Genes: ATRIP (ATR interacting protein; plus strand), ATRIP-TREX1 (ATRIP-TREX1 readthrough; plus strand). Cytogenetic location: 3p21.31.
Variant type: single nucleotide variant.
Coding change: c.472G>C on transcript NM_130384.3 (MANE Select); coding-DNA position 472, G replaced by C.
Protein change: p.Glu158Gln; replaces glutamic acid 158 with glutamine.
Molecular consequence: missense variant. On other transcripts: non-coding transcript variant (1).
Genome position (GRCh38, 1-based): chr3:48,451,819, G>C. VCF-style: chr3-48451819-G-C. GRCh37 (hg19) VCF-style: chr3-48493225-G-C.
Other names: c.91G>C, p.Glu31Gln (NM_001271022.2); c.193G>C, p.Glu65Gln (NM_001271023.2); c.472G>C, p.Glu158Gln (NM_032166.4); short protein forms E158Q, E31Q, E65Q.
Identifiers: ClinVar variation 3809553 (VCV003809553.1).